The following is an entry in ClinVar:

ClinVar aggregate classification (germline): Likely pathogenic (1 of 4 stars; one submission).

Conditions:
Hemoglobinopathy. Also called: Hemoglobin disorder; Haemoglobinopathies. Identifiers: MedGen C0019045, MONDO:0044348.

Submission:

Women's Health and Genetics/Laboratory Corporation of America, LabCorp
Classification: Likely pathogenic for Hemoglobinopathy. Last evaluated: 2023-06-08. Review status: criteria provided, single submitter. Criteria: LabCorp Variant Classification Summary - May 2015. Collection method: clinical testing. Allele origin: germline.
Comment: Variant summary: The variant identified by MLPA or other technology involves the deletion of a large part of the beta globin gene cluster, comprising a deletion from the last exon (i.e. exon 3) of the HBD gene to the first exon (i.e. exon 1) of the HBB gene. A deletion spanning HBD exon 3 through HBB exon 1 is expected to result in a deletion that includes the 3' end of HBD (predicted to result either in absence of the protein or a large C-terminal truncation) and the of 5' end of HBB, including the initiation codon (predicted to result either in absence of the protein or a large N-terminal truncation). Alternatively, this deletion might also result in a HBD-HBB (delta-beta) fusion gene, with an out-of-frame gene-fusion, that would result in the loss of both affected gene products. This deletion (including HBD exon 3 through HBB exon 1) was absent in ~21694 control chromosomes (gnomAD Structural Variants dataset). To our knowledge, no occurrence of similar partial deletions (i.e. deletion of HBD exon 3 through HBB exon 1) of these two genes have been reported in the literature, and no experimental evidence examining its impact on protein function have been reported. No clinical diagnostic laboratories have submitted clinical-significance assessments for this variant to ClinVar after 2014. Based on the evidence outlined above, the variant was classified as likely pathogenic.

NC_000011.9:g.(5248030_5248159)_(5254322_5255220)del

Genes: HBD (hemoglobin subunit delta; minus strand), HBB (hemoglobin subunit beta; minus strand). Cytogenetic location: 11p15.4.
Variant type: Deletion.
Identifiers: ClinVar variation 2573436 (VCV002573436.1).